The following is an entry in ClinVar:

NM_000027.4(AGA):c.394+254G>T

Gene: AGA (aspartylglucosaminidase; minus strand). Cytogenetic location: 4q34.3.
Variant type: single nucleotide variant.
Coding change: c.394+254G>T on transcript NM_000027.4 (MANE Select); 254 bases into the intron after coding-DNA position 394, G replaced by T.
Molecular consequence: intron variant.
Genome position (GRCh38, 1-based): chr4:177,439,322, C>A on the plus strand (G>T on the coding strand, the complement: AGA is on the minus strand). VCF-style: chr4-177439322-C-A. GRCh37 (hg19) VCF-style: chr4-178360476-C-A.
Other names: c.394+254G>T (NM_001171988.2).
Identifiers: ClinVar variation 683240 (VCV000683240.1), dbSNP rs6830102, ClinGen allele CA110790055.
Genomic context (GRCh38, chr4:177,439,322, plus strand): 5'-TCCCAGCTACTTGGAAGGCTGAGGTAGGAGAATCACTTGAACCCAGGAGGCAGAGGTTGT[C>A]GGGAGCTGAGATCGCGCCATTGCACTCCAGCCTGGGTGACAAGAGCGAAACTCCGTCTCA-3'

ClinVar aggregate classification (germline): Benign (1 of 4 stars; one submission).

Allele frequency attached by ClinVar (database versions not stated): 1000 Genomes Project 30x 0.99610; 1000 Genomes Project 0.99621; gnomAD 0.99490; TOPMed 0.99434.
gnomAD v4.1: 151,550 of 152,322 alleles (99%); highest among the groups gnomAD compares: Middle Eastern, 100%; 75,395 homozygotes.

Submission:

GeneDx
Classification: Benign. Last evaluated: 2018-06-19. Review status: criteria provided, single submitter. Criteria: GeneDx Variant Classification (06012015). Collection method: clinical testing. Allele origin: germline. Affected: yes.
Comment: This variant is considered likely benign or benign based on one or more of the following criteria: it is a conservative change, it occurs at a poorly conserved position in the protein, it is predicted to be benign by multiple in silico algorithms, and/or has population frequency not consistent with disease.